The following is an entry in ClinVar:

ClinVar aggregate classification (germline): Benign. Review status: criteria provided, single submitter (1 of 4 stars). 2 submissions from 1 submitter: Benign (2). Last evaluated 2018-01-13.

Conditions:
Parietal foramina 1 (PFM1). Also called: FORAMINA PARIETALIA PERMAGNA; PARIETAL FORAMINA, SYMMETRIC. Identifiers: Orphanet 60015, MedGen C1868599, MONDO:0008197, OMIM 168500.
Craniosynostosis 2 (CRS2). Also called: Warman-Mulliken-Hayward syndrome; Craniosynostosis Warman type; Craniosynostosis Boston type. Identifiers: Orphanet 1541, MedGen C1858160, MONDO:0011481, OMIM 604757.

Allele frequency attached by ClinVar (database versions not stated): gnomAD 0.79238 and 0.80192; TOPMed 0.79487; 1000 Genomes Project 30x 0.82292; gnomAD exomes 0.82870; 1000 Genomes Project 0.82987.
gnomAD v4.1: 122,280 of 152,444 alleles (80%); highest among the groups gnomAD compares: East Asian, 98%; 49,905 homozygotes.

Submissions (2):

Illumina Laboratory Services, Illumina
Classification: Benign for Craniosynostosis 2. Last evaluated: 2018-01-13. Review status: criteria provided, single submitter. Criteria: ICSL Variant Classification Criteria 13 December 2019. Collection method: clinical testing. Allele origin: germline.
Comment: This variant was observed in the ICSL laboratory as part of a predisposition screen in an ostensibly healthy population. It had not been previously curated by ICSL or reported in the Human Gene Mutation Database (HGMD: prior to June 1st, 2018), and was therefore a candidate for classification through an automated scoring system. Utilizing variant allele frequency, disease prevalence and penetrance estimates, and inheritance mode, an automated score was calculated to assess if this variant is too frequent to cause the disease. Based on the score and internal cut-off values, a variant classified as benign is not then subjected to further curation. The score for this variant resulted in a classification of benign for this disease.

Illumina Laboratory Services, Illumina
Classification: Benign for Parietal foramina 1. Last evaluated: 2018-01-13. Review status: criteria provided, single submitter. Criteria: ICSL Variant Classification Criteria 13 December 2019. Collection method: clinical testing. Allele origin: germline.
Comment: the same text as in the submission from Illumina Laboratory Services, Illumina above.

NM_002449.5(MSX2):c.*1176G>C

Gene: MSX2 (msh homeobox 2; plus strand). Cytogenetic location: 5q35.2.
Variant type: single nucleotide variant.
Coding change: c.*1176G>C on transcript NM_002449.5 (MANE Select); 1176 bases downstream of the stop codon, G replaced by C.
Molecular consequence: 3 prime UTR variant.
Genome position (GRCh38, 1-based): chr5:174,730,759, G>C. VCF-style: chr5-174730759-G-C. GRCh37 (hg19) VCF-style: chr5-174157762-G-C.
Other names: c.*1604G>C (NM_001363626.2).
Identifiers: ClinVar variation 352864 (VCV000352864.5), dbSNP rs2890849, ClinGen allele CA10621352.